The following is an entry in ClinVar:

ClinVar aggregate classification (germline): Uncertain significance (1 of 4 stars; one submission).

Conditions:
Gorlin syndrome. Also called: Nevoid Basal Cell Carcinoma Syndrome; Basal cell nevus syndrome. Identifiers: Orphanet 377, MedGen C0004779, MONDO:0007187.

Submission:

Labcorp Genetics (formerly Invitae), Labcorp
Classification: Uncertain significance for Gorlin syndrome. Last evaluated: 2018-07-01. Review status: criteria provided, single submitter. Criteria: Invitae Variant Classification Sherloc (09022015). Collection method: clinical testing. Allele origin: germline.
Comment: This sequence change falls in intron 2 of the PTCH1 gene. It does not directly change the encoded amino acid sequence of the PTCH1 protein, but it affects a nucleotide within the consensus splice site of the intron. This variant is not present in population databases (ExAC no frequency). In summary, the available evidence is currently insufficient to determine the role of this variant in disease. Therefore, it has been classified as a Variant of Uncertain Significance. This variant has not been reported in the literature in individuals with PTCH1-related disease. Nucleotide substitutions within the consensus splice site are a relatively common cause of aberrant splicing (PMID: 17576681, 9536098). Algorithms developed to predict the effect of sequence changes on RNA splicing suggest that this variant may disrupt the consensus splice site, but this prediction has not been confirmed by published transcriptional studies.

Literature cited by the submitters: PubMed 17576681; PubMed 9536098.

NM_000264.5(PTCH1):c.394+2dup

Gene: PTCH1 (patched 1; minus strand). Cytogenetic location: 9q22.32.
Variant type: Duplication.
Coding change: c.394+2dup on transcript NM_000264.5 (MANE Select); the canonical splice donor site of the intron after coding-DNA position 394, one base duplicated (T; older notation c.394+2dupT).
Molecular consequence: splice donor variant.
Genome position (GRCh38, 1-based): chr9:95,506,405, A duplicated on the plus strand (T on the coding strand, the reverse complement: PTCH1 is on the minus strand). VCF-style (leftmost placement, unchanged base first): chr9-95506404-T-TA. GRCh37 (hg19) VCF-style: chr9-98268686-T-TA.
Other names: c.391+2dup (NM_001083603.3); c.196+2dup (NM_001083602.3, NM_001354919.2); c.394+2dup (NM_001354918.2); c.-60+2dup (NM_001083605.3, NM_001083604.3, NM_001083606.3 and 1 more transcripts); c.394+2dupT (NM_000264.3).
Identifiers: ClinVar variation 654071 (VCV000654071.7), dbSNP rs1587692814, ClinGen allele CA915947102.
Genomic context (GRCh38, chr9:95,506,404, plus strand): 5'-ATCTCTATCAACCGCGAGGAGGGACCGGGCCGGGGGCGCGGGCGCCGCGGCGGGCGCTCT[T>TA]ACCTTCCACCCACAGCTCCTCCACGTTGGTCTCGAGGTTCGCTGCTTTTAATCCCACCGC-3'